The following is an entry in ClinVar:

NM_000083.3(CLCN1):c.814_815delinsAA (p.Ala272Asn)

Gene: CLCN1 (chloride voltage-gated channel 1; plus strand). Cytogenetic location: 7q34.
Variant type: Indel.
Coding change: c.814_815delinsAA on transcript NM_000083.3 (MANE Select); coding-DNA positions 814 to 815, GC replaced by AA.
Protein change: p.Ala272Asn; replaces alanine 272 with asparagine.
Molecular consequence: missense variant. On other transcripts: non-coding transcript variant (1).
Genome position (GRCh38, 1-based): chr7:143,324,453-143,324,454, GC replaced by AA. VCF-style: chr7-143324453-GC-AA. GRCh37 (hg19) VCF-style: chr7-143021546-GC-AA.
Other names: short protein forms A272N.
Identifiers: ClinVar variation 1717323 (VCV001717323.5), dbSNP rs2487042982, ClinGen allele CA2580077626.

ClinVar aggregate classification (germline): Uncertain significance (1 of 4 stars; one submission).

Conditions:
Congenital myotonia, autosomal dominant form (THD). Also called: THOMSEN DISEASE; Myotonia congenita autosomal dominant. Identifiers: Orphanet 614, MedGen C2936781, MONDO:0008055, OMIM 160800.
Congenital myotonia, autosomal recessive form. Also called: BECKER DISEASE; myotonia congenita, autosomal recessive; Becker Generalized Myotonia. Identifiers: Orphanet 614, MedGen C0751360, MONDO:0009715, OMIM 255700.

Submission:

Labcorp Genetics (formerly Invitae), Labcorp
Classification: Uncertain significance for Congenital myotonia, autosomal recessive form; Congenital myotonia, autosomal dominant form. Last evaluated: 2022-08-21. Review status: criteria provided, single submitter. Criteria: Invitae Variant Classification Sherloc (09022015). Collection method: clinical testing. Allele origin: germline.
Comment: Algorithms developed to predict the effect of missense changes on protein structure and function are either unavailable or do not agree on the potential impact of this missense change (SIFT: "Not Available"; PolyPhen-2: "Probably Damaging"; Align-GVGD: "Not Available"). In summary, the available evidence is currently insufficient to determine the role of this variant in disease. Therefore, it has been classified as a Variant of Uncertain Significance. This variant has not been reported in the literature in individuals affected with CLCN1-related conditions. This sequence change replaces alanine, which is neutral and non-polar, with asparagine, which is neutral and polar, at codon 272 of the CLCN1 protein (p.Ala272Asn). Information on the frequency of this variant in the gnomAD database is not available, as this variant may be reported differently in the database.